The following is an entry in ClinVar:

ClinVar aggregate classification (germline): Likely pathogenic (1 of 4 stars; one submission).

Conditions:
Hypoplastic pancreas-intestinal atresia-hypoplastic gallbalder syndrome. Also called: DIABETES, NEONATAL, WITH PANCREATIC HYPOPLASIA, INTESTINAL ATRESIA, AND GALLBLADDER APLASIA OR HYPOPLASIA; Mitchell-Riley syndrome. Identifiers: Orphanet 293864, MedGen C2748662, MONDO:0017400, OMIM 615710.

Submission:

First Genomix Gene Laboratory, Genetic Diagnostics Department
Classification: Likely pathogenic for Hypoplastic pancreas-intestinal atresia-hypoplastic gallbalder syndrome. Last evaluated: 2025-09-19. Review status: criteria provided, single submitter. Criteria: ACMG Guidelines, 2015. Collection method: clinical testing. Allele origin: germline. Inheritance: Autosomal recessive inheritance. Affected: no. Observed: 1 variant allele.

NM_173560.4(RFX6):c.22G>T (p.Glu8Ter)

Genes: RFX6 (regulatory factor X6; plus strand), LOC127407129 (RFX6 promoter region; plus strand). Cytogenetic location: 6q22.1.
Variant type: single nucleotide variant.
Coding change: c.22G>T on transcript NM_173560.4 (MANE Select); coding-DNA position 22, G replaced by T.
Protein change: p.Glu8Ter; replaces glutamic acid 8 with a stop codon.
Molecular consequence: nonsense.
Genome position (GRCh38, 1-based): chr6:116,877,297, G>T. VCF-style: chr6-116877297-G-T. GRCh37 (hg19) VCF-style: chr6-117198460-G-T.
Other names: short protein forms E8*.
Identifiers: ClinVar variation 4850403 (VCV004850403.1).
Genomic context (GRCh38, chr6:116,877,297, plus strand): 5'-GCCGAGCGGCGCGCGCGGAGGTGTCCGGCGGCCAGGAGGATGGCCAAGGTCCCGGAGCTG[G>T]AAGACACCTTCCTGCAGGCGCAGCCTGCGCCCCAACTGTCCCCGGGGATCCAGGAAGACT-3'